The following is an entry in ClinVar:

NM_201384.3(PLEC):c.7096C>T (p.Arg2366Trp)

Gene: PLEC (plectin; minus strand). Cytogenetic location: 8q24.3.
Variant type: single nucleotide variant.
Coding change: c.7096C>T on transcript NM_201384.3 (MANE Select); coding-DNA position 7096, C replaced by T.
Protein change: p.Arg2366Trp; replaces arginine 2366 with tryptophan.
Molecular consequence: missense variant.
Genome position (GRCh38, 1-based): chr8:143,922,833, G>A on the plus strand (C>T on the coding strand, the complement: PLEC is on the minus strand). VCF-style: chr8-143922833-G-A. GRCh37 (hg19) VCF-style: chr8-144997001-G-A.
Other names: c.7177C>T, p.Arg2393Trp (NM_000445.5); c.7054C>T, p.Arg2352Trp (NM_201378.4); c.7030C>T, p.Arg2344Trp (NM_201379.3); c.7507C>T, p.Arg2503Trp (NM_201380.4); c.7000C>T, p.Arg2334Trp (NM_201381.3); c.7096C>T, p.Arg2366Trp (NM_201382.4); c.7108C>T, p.Arg2370Trp (NM_201383.3); c.7177C>T (NM_000445.3); short protein forms R2334W, R2393W, R2344W, R2352W, R2503W, R2366W, R2370W.
Identifiers: ClinVar variation 1391652 (VCV001391652.7), dbSNP rs782676972, ClinGen allele CA4925762.

ClinVar aggregate classification (germline): Uncertain significance. Review status: criteria provided, multiple submitters, no conflicts (2 of 4 stars). 2 submissions from 2 submitters: Uncertain significance (2). Last evaluated 2025-12-19.

Conditions:
Epidermolysis bullosa simplex 5B, with muscular dystrophy (EBS5B). Also called: Epidermolysis bullosa simplex with muscular dystrophy; EPIDERMOLYSIS BULLOSA SIMPLEX AND LIMB-GIRDLE MUSCULAR DYSTROPHY. Identifiers: Orphanet 257, MedGen C2931072, MONDO:0009181, OMIM 226670.
Epidermolysis bullosa simplex 5C, with pyloric atresia (EBS5C). Also called: PLEC1-Related Epidermolysis Bullosa with Pyloric Atresia; PLEC-Related Epidermolysis Bullosa with Pyloric Atresia; Epidermolysis bullosa simplex with pyloric atresia. Identifiers: Orphanet 158684, MedGen C2677349, MONDO:0012807, OMIM 612138.
Autosomal recessive limb-girdle muscular dystrophy type 2Q (LGMDR17). Also called: MUSCULAR DYSTROPHY, LIMB-GIRDLE, AUTOSOMAL RECESSIVE 17. Identifiers: Orphanet 254361, MedGen C3150989, MONDO:0013390, OMIM 613723.
Epidermolysis bullosa simplex, Ogna type (EBS5A). Also called: Pidermolysis bullosa simplex 5A, Ogna type; EPIDERMOLYSIS BULLOSA SIMPLEX 5A, OGNA TYPE. Identifiers: Orphanet 79401, MedGen C0432317, MONDO:0007555, OMIM 131950.
Epidermolysis bullosa simplex with nail dystrophy (EBS5D). Identifiers: MedGen C4225309, MONDO:0014661, OMIM 616487.
Inborn genetic diseases. Identifiers: MedGen C0950123, MeSH D030342.

Allele frequency attached by ClinVar (database versions not stated): gnomAD exomes 0.00001; TOPMed 0.00001; gnomAD 0.00002; ExAC 0.00005.
gnomAD v4.1: 24 of 1,582,504 alleles (0.0015%); highest among the groups gnomAD compares: East Asian, 0.023%; no homozygotes.

Submissions (2):

Labcorp Genetics (formerly Invitae), Labcorp
Classification: Uncertain significance for Autosomal recessive limb-girdle muscular dystrophy type 2Q; Epidermolysis bullosa simplex, Ogna type; Epidermolysis bullosa simplex with nail dystrophy; Epidermolysis bullosa simplex 5C, with pyloric atresia; Epidermolysis bullosa simplex 5B, with muscular dystrophy. Last evaluated: 2025-12-19. Review status: criteria provided, single submitter. Criteria: Invitae Variant Classification Sherloc (09022015). Collection method: clinical testing. Allele origin: germline.
Comment: This sequence change replaces arginine, which is basic and polar, with tryptophan, which is neutral and slightly polar, at codon 2393 of the PLEC protein (p.Arg2393Trp). This variant is present in population databases (rs782676972, gnomAD 0.007%). This variant has not been reported in the literature in individuals affected with PLEC-related conditions. ClinVar contains an entry for this variant (Variation ID: 1391652). An algorithm developed to predict the effect of missense changes on protein structure and function (PolyPhen-2) suggests that this variant is likely to be disruptive. In summary, the available evidence is currently insufficient to determine the role of this variant in disease. Therefore, it has been classified as a Variant of Uncertain Significance.

Ambry Genetics
Classification: Uncertain significance for Inborn genetic diseases. Last evaluated: 2023-02-22. Review status: criteria provided, single submitter. Criteria: Ambry Variant Classification Scheme 2023. Collection method: clinical testing. Allele origin: germline.